The following is an entry in ClinVar:

NM_015102.5(NPHP4):c.2482G>C (p.Val828Leu)

Gene: NPHP4 (nephrocystin 4; minus strand). Cytogenetic location: 1p36.31.
Variant type: single nucleotide variant.
Coding change: c.2482G>C on transcript NM_015102.5 (MANE Select); coding-DNA position 2482, G replaced by C.
Protein change: p.Val828Leu; replaces valine 828 with leucine.
Molecular consequence: missense variant. On other transcripts: non-coding transcript variant (1).
Genome position (GRCh38, 1-based): chr1:5,887,289, C>G on the plus strand (G>C on the coding strand, the complement: NPHP4 is on the minus strand). VCF-style: chr1-5887289-C-G. GRCh37 (hg19) VCF-style: chr1-5947349-C-G.
Other names: c.943G>C, p.Val315Leu (NM_001291593.2); c.946G>C, p.Val316Leu (NM_001291594.2); c.2482G>C (NM_015102.3, NM_015102.4); short protein forms V315L, V316L, V828L.
Identifiers: ClinVar variation 1434277 (VCV001434277.10), dbSNP rs774129927, ClinGen allele CA554109.

ClinVar aggregate classification (germline): Uncertain significance. Review status: criteria provided, multiple submitters, no conflicts (2 of 4 stars). 3 submissions from 3 submitters: Uncertain significance (3). Last evaluated 2026-09-10.

Conditions:
Inborn genetic diseases. Identifiers: MedGen C0950123, MeSH D030342.
NPHP4-related disorder. Also called: NPHP4-related disorders; NPHP4-related condition. Identifiers: MedGen CN239384.
Nephronophthisis. Also called: Juvenile Nephronophthisis. Identifiers: Orphanet 655, MedGen C0687120, MONDO:0019005, HP:0000090.

Allele frequency attached by ClinVar (database versions not stated): gnomAD exomes below 0.00001.
gnomAD v4.1: 4 of 1,612,232 alleles (0.00025%); highest among the groups gnomAD compares: Non-Finnish European, 0.00034%; no homozygotes.

Submissions (3):

PreventionGenetics, part of Exact Sciences
Classification: Uncertain significance for NPHP4-related condition. Last evaluated: 2026-09-10. Review status: criteria provided, single submitter. Criteria: ACMG Guidelines, 2015. Collection method: clinical testing. Allele origin: germline.
Comment: The NPHP4 c.2482G>C variant is predicted to result in the amino acid substitution p.Val828Leu. To our knowledge, this variant has not been reported in the literature. This variant is reported in 0.00091% of alleles in individuals of European (Non-Finnish) descent in gnomAD. At this time, the clinical significance of this variant is uncertain due to the absence of conclusive functional and genetic evidence.

Ambry Genetics
Classification: Uncertain significance for Inborn genetic diseases. Last evaluated: 2023-10-05. Review status: criteria provided, single submitter. Criteria: Ambry Variant Classification Scheme 2023. Collection method: clinical testing. Allele origin: germline.

Labcorp Genetics (formerly Invitae), Labcorp
Classification: Uncertain significance for Nephronophthisis. Last evaluated: 2022-07-26. Review status: criteria provided, single submitter. Criteria: Invitae Variant Classification Sherloc (09022015). Collection method: clinical testing. Allele origin: germline.
Comment: This variant is present in population databases (rs774129927, gnomAD 0.0009%). In summary, the available evidence is currently insufficient to determine the role of this variant in disease. Therefore, it has been classified as a Variant of Uncertain Significance. Algorithms developed to predict the effect of missense changes on protein structure and function (SIFT, PolyPhen-2, Align-GVGD) all suggest that this variant is likely to be tolerated. ClinVar contains an entry for this variant (Variation ID: 1434277). This variant has not been reported in the literature in individuals affected with NPHP4-related conditions. This sequence change replaces valine, which is neutral and non-polar, with leucine, which is neutral and non-polar, at codon 828 of the NPHP4 protein (p.Val828Leu).